The following is an entry in ClinVar:

ClinVar aggregate classification (germline): Uncertain significance. Review status: criteria provided, multiple submitters, no conflicts (2 of 4 stars). 3 submissions from 3 submitters: Uncertain significance (3). Last evaluated 2024-12-31.

Conditions:
Inborn genetic diseases. Identifiers: MedGen C0950123, MeSH D030342.
Meacham syndrome. Also called: Meacham Winn Culler syndrome. Identifiers: Orphanet 3097, MedGen C1837026, MONDO:0012164, OMIM 608978.
Wilms tumor 1 (WT1). Also called: Wilms tumor, somatic. Identifiers: Orphanet 654, MedGen CN033288, MONDO:0008679, OMIM 194070.
11p partial monosomy syndrome (WAGR). Also called: WAGR syndrome; CHROMOSOME 11p13 DELETION SYNDROME; WAGR Complex; WAGR Spectrum Disorder. Identifiers: Orphanet 893, MedGen C0206115, MONDO:0008681, OMIM 194072.
Frasier syndrome. Identifiers: Orphanet 347, MedGen C0950122, MeSH D052159, MONDO:0007635, OMIM 136680.
Nephrotic syndrome, type 4 (NPHS4). Also called: Familial mesangial sclerosis; Nephrotic syndrome, early onset with diffuse mesangial sclerosis. Identifiers: Orphanet 656, MedGen C3151568, MONDO:0009733, OMIM 256370.
Aniridia 1 (AN1). Identifiers: Orphanet 250923, MedGen C0344542, MONDO:0024507, OMIM 106210.
Drash syndrome (DDS). Also called: WILMS TUMOR AND PSEUDO- OR TRUE HERMAPHRODITISM; NEPHROPATHY, WILMS TUMOR, AND GENITAL ANOMALIES. Identifiers: Orphanet 220, MedGen C0950121, MONDO:0008682, OMIM 194080.
Mesothelioma, malignant (MESOM). Also called: Malignant mesothelioma (disease). Identifiers: Orphanet 50251, MedGen C0345967, MONDO:0006292, OMIM 156240, HP:0100001.

Allele frequency attached by ClinVar (database versions not stated): gnomAD exomes below 0.00001; ExAC 0.00001.
gnomAD v4.1: 2 of 1,614,064 alleles (0.00012%); highest among the groups gnomAD compares: Non-Finnish European, 0.00017%; no homozygotes.

Submissions (3):

Ambry Genetics
Classification: Uncertain significance for Inborn genetic diseases. Last evaluated: 2024-12-31. Review status: criteria provided, single submitter. Criteria: Ambry Variant Classification Scheme 2023. Collection method: clinical testing. Allele origin: germline.
Comment: The p.S325L variant (also known as c.974C>T), located in coding exon 5 of the WT1 gene, results from a C to T substitution at nucleotide position 974. The serine at codon 325 is replaced by leucine, an amino acid with dissimilar properties. This amino acid position is highly conserved in available vertebrate species. In addition, the in silico prediction for this alteration is inconclusive. Based on the available evidence, the clinical significance of this variant remains unclear.

Labcorp Genetics (formerly Invitae), Labcorp
Classification: Uncertain significance for Wilms tumor 1; Drash syndrome; 11p partial monosomy syndrome; Frasier syndrome. Last evaluated: 2023-11-10. Review status: criteria provided, single submitter. Criteria: Invitae Variant Classification Sherloc (09022015). Collection method: clinical testing. Allele origin: germline.
Comment: This sequence change replaces serine, which is neutral and polar, with leucine, which is neutral and non-polar, at codon 325 of the WT1 protein (p.Ser325Leu). This variant is present in population databases (rs762688982, gnomAD 0.0009%). This variant has not been reported in the literature in individuals affected with WT1-related conditions. ClinVar contains an entry for this variant (Variation ID: 1017207). Advanced modeling of protein sequence and biophysical properties (such as structural, functional, and spatial information, amino acid conservation, physicochemical variation, residue mobility, and thermodynamic stability) has been performed at Invitae for this missense variant, however the output from this modeling did not meet the statistical confidence thresholds required to predict the impact of this variant on WT1 protein function. Algorithms developed to predict the effect of sequence changes on RNA splicing suggest that this variant may disrupt the consensus splice site. In summary, the available evidence is currently insufficient to determine the role of this variant in disease. Therefore, it has been classified as a Variant of Uncertain Significance.

Fulgent Genetics
Classification: Uncertain significance for Aniridia 1; Frasier syndrome; Mesothelioma, malignant; Wilms tumor 1; 11p partial monosomy syndrome; Drash syndrome; Nephrotic syndrome, type 4; Meacham syndrome. Last evaluated: 2021-11-30. Review status: criteria provided, single submitter. Criteria: ACMG Guidelines, 2015. Collection method: clinical testing. Allele origin: unknown.

NM_024426.6(WT1):c.989C>T (p.Ser330Leu)

Gene: WT1 (WT1 transcription factor; minus strand). Cytogenetic location: 11p13.
Variant type: single nucleotide variant.
Coding change: c.989C>T on transcript NM_024426.6 (MANE Select); coding-DNA position 989, C replaced by T.
Protein change: p.Ser330Leu; replaces serine 330 with leucine.
Molecular consequence: missense variant. On other transcripts: non-coding transcript variant (1), intron variant (2).
Genome position (GRCh38, 1-based): chr11:32,416,517, G>A on the plus strand (C>T on the coding strand, the complement: WT1 is on the minus strand). VCF-style: chr11-32416517-G-A. GRCh37 (hg19) VCF-style: chr11-32438063-G-A.
Other names: c.338C>T, p.Ser113Leu (NM_001198551.2); c.989C>T, p.Ser330Leu (NM_001407044.1, NM_001407046.1, NM_024424.5); c.866C>T, p.Ser289Leu (NM_001407047.1); c.227C>T, p.Ser76Leu (NM_001407051.1); c.965+1060C>T (NM_000378.6); c.314+1060C>T (NM_001198552.2); c.974C>T (NM_024426.4); short protein forms S113L, S330L, S289L, S325L, S76L.
Identifiers: ClinVar variation 1017207 (VCV001017207.12), dbSNP rs762688982, ClinGen allele CA065997.